The following is an entry in ClinVar:

ClinVar aggregate classification (germline): Uncertain significance (1 of 4 stars; one submission).

Conditions:
Familial thoracic aortic aneurysm and aortic dissection (TAAD). Also called: Thoracic aortic aneurysms and dissections. Identifiers: Orphanet 91387, MedGen C4707243, MONDO:0019625.

Submission:

Ambry Genetics
Classification: Uncertain significance for Familial thoracic aortic aneurysm and aortic dissection. Last evaluated: 2025-07-22. Review status: criteria provided, single submitter. Criteria: Ambry Variant Classification Scheme 2023. Collection method: clinical testing. Allele origin: germline.
Comment: The p.G303D variant (also known as c.908G>A), located in coding exon 2 of the SLC2A10 gene, results from a G to A substitution at nucleotide position 908. The glycine at codon 303 is replaced by aspartic acid, an amino acid with similar properties. This amino acid position is conserved. In addition, this alteration is predicted to be deleterious by in silico analysis. Based on the available evidence, the clinical significance of this variant remains unclear.

NM_030777.4(SLC2A10):c.908G>A (p.Gly303Asp)

Gene: SLC2A10 (solute carrier family 2 member 10; plus strand). Cytogenetic location: 20q13.12.
Variant type: single nucleotide variant.
Coding change: c.908G>A on transcript NM_030777.4 (MANE Select); coding-DNA position 908, G replaced by A.
Protein change: p.Gly303Asp; replaces glycine 303 with aspartic acid.
Molecular consequence: missense variant.
Genome position (GRCh38, 1-based): chr20:46,725,944, G>A. VCF-style: chr20-46725944-G-A. GRCh37 (hg19) VCF-style: chr20-45354583-G-A.
Other names: short protein forms G303D.
Identifiers: ClinVar variation 4167458 (VCV004167458.1).